The following is an entry in ClinVar:

ClinVar aggregate classification (germline): Likely pathogenic (1 of 4 stars; one submission).

Conditions:
Cutis laxa, autosomal recessive, type 1B (ARCL1B). Also called: EFEMP2-Related Cutis Laxa; CUTIS LAXA, AUTOSOMAL RECESSIVE, TYPE IB. Identifiers: Orphanet 90349, MedGen C3280798, MONDO:0013754, OMIM 614437. Disease mechanism: loss of function.

Submission:

Labcorp Genetics (formerly Invitae), Labcorp
Classification: Likely pathogenic for Cutis laxa, autosomal recessive, type 1B. Last evaluated: 2023-08-17. Review status: criteria provided, single submitter. Criteria: Invitae Variant Classification Sherloc (09022015). Collection method: clinical testing. Allele origin: germline.
Comment: In summary, the currently available evidence indicates that the variant is pathogenic, but additional data are needed to prove that conclusively. Therefore, this variant has been classified as Likely Pathogenic. ClinVar contains an entry for this variant (Variation ID: 942885). This variant has not been reported in the literature in individuals affected with EFEMP2-related conditions. This variant is not present in population databases (gnomAD no frequency). This variant results in the deletion of part of exon 2 (c.109_111+3del) of the EFEMP2 gene. It is expected to disrupt RNA splicing. Variants that disrupt the donor or acceptor splice site typically lead to a loss of protein function (PMID: 16199547), and loss-of-function variants in EFEMP2 are known to be pathogenic (PMID: 17937443).

Literature cited by the submitters: PubMed 16199547; PubMed 17937443.

NM_016938.5(EFEMP2):c.109_111+3del

Gene: EFEMP2 (EGF-like fibulin extracellular matrix protein 2; minus strand). Cytogenetic location: 11q13.1.
Variant type: Deletion.
Coding change: c.109_111+3del on transcript NM_016938.5 (MANE Select); coding-DNA position 109 through 3 bases into the intron after coding-DNA position 111, 6 bases deleted (ACGGTG; older notation c.109_111+3delACGGTG).
Molecular consequence: splice donor variant.
Genome position (GRCh38, 1-based): chr11:65,872,241-65,872,246, CACCGT deleted on the plus strand (ACGGTG on the coding strand, the reverse complement: EFEMP2 is on the minus strand). VCF-style (leftmost placement, unchanged base first): chr11-65872240-CCACCGT-C. GRCh37 (hg19) VCF-style: chr11-65639711-CCACCGT-C.
Identifiers: ClinVar variation 942885 (VCV000942885.7), dbSNP rs1859976995, ClinGen allele CA1139662028.